The following is an entry in ClinVar:

ClinVar aggregate classification (germline): Benign. Review status: criteria provided, multiple submitters, no conflicts (2 of 4 stars). 6 submissions from 6 submitters: Benign (6). Last evaluated 2026-02-03.

Conditions:
Progressive myoclonic epilepsy. Also called: Familial progressive myoclonic epilepsy; Myoclonic Epilepsies, Progressive; Myoclonus epilepsy; Progressive myoclonus epilepsy. Identifiers: Orphanet 308, Orphanet 98261, MedGen C0751778, MONDO:0020074.

Allele frequency attached by ClinVar (database versions not stated): gnomAD 0.21009; TOPMed 0.21039; 1000 Genomes Project 0.25339; 1000 Genomes Project 30x 0.25390; gnomAD exomes 0.17724; ExAC 0.18171; ESP Exome Variant Server 0.20575.
gnomAD v4.1: 251,018 of 1,557,634 alleles (16%); highest among the groups gnomAD compares: East Asian, 34%; 22,535 homozygotes.

Submissions (6):

Labcorp Genetics (formerly Invitae), Labcorp
Classification: Benign for Progressive myoclonic epilepsy. Last evaluated: 2026-02-03. Review status: criteria provided, single submitter. Criteria: Invitae Variant Classification Sherloc (09022015). Collection method: clinical testing. Allele origin: germline.

Blueprint Genetics
Classification: Benign. Last evaluated: 2024-11-26. Review status: criteria provided, single submitter. Criteria: ACMG Guidelines, 2015. Collection method: clinical testing. Allele origin: germline.

Unidad de Genómica Garrahan, Hospital de Pediatría Garrahan
Classification: Benign. Last evaluated: 2024-07-15. Review status: criteria provided, single submitter. Criteria: ACMG Guidelines, 2015. Collection method: clinical testing. Allele origin: germline. Affected: no. Observed: 28 variant alleles.
Comment: This variant is classified as Benign based on local population frequency. This variant was detected in 30% of patients studied in a panel designed for Epileptic and Developmental Encephalopathy and Progressive Myoclonus Epilepsy. Number of patients: 28. Only high quality variants are reported.

GeneDx
Classification: Benign. Last evaluated: 2013-11-11. Review status: criteria provided, single submitter. Criteria: GeneDx Variant Classification (06012015). Collection method: clinical testing. Allele origin: germline. Affected: yes.
Comment: This variant is considered likely benign or benign based on one or more of the following criteria: it is a conservative change, it occurs at a poorly conserved position in the protein, it is predicted to be benign by multiple in silico algorithms, and/or has population frequency not consistent with disease.

Breakthrough Genomics
Classification: Benign. Review status: criteria provided, single submitter. Criteria: ACMG Guidelines, 2015. Collection method: not provided. Allele origin: germline. Inheritance: Autosomal recessive inheritance. Affected: yes.

PreventionGenetics, part of Exact Sciences
Classification: Benign. Review status: criteria provided, single submitter. Criteria: ACMG Guidelines, 2015. Collection method: clinical testing. Allele origin: germline.

NM_005506.4(SCARB2):c.1113+14T>A

Gene: SCARB2 (scavenger receptor class B member 2; minus strand). Cytogenetic location: 4q21.1.
Variant type: single nucleotide variant.
Coding change: c.1113+14T>A on transcript NM_005506.4 (MANE Select); 14 bases into the intron after coding-DNA position 1113, T replaced by A.
Molecular consequence: intron variant.
Genome position (GRCh38, 1-based): chr4:76,169,853, A>T on the plus strand (T>A on the coding strand, the complement: SCARB2 is on the minus strand). VCF-style: chr4-76169853-A-T. GRCh37 (hg19) VCF-style: chr4-77091006-A-T.
Other names: c.684+14T>A (NM_001204255.2).
Identifiers: ClinVar variation 138968 (VCV000138968.13), dbSNP rs35369082, ClinGen allele CA293153.
Genomic context (GRCh38, chr4:76,169,853, plus strand): 5'-AGGACTAAACTGGTGAACAATGTATAGACAGAATAAAACATATGCTCTTTTACCAGGAGG[A>T]AGTATGTACTCACAGGATTAATGTCCACAAATGTCTCATGGTCTTCCTGATTTGGGTGCA-3'